The following is an entry in ClinVar:

ClinVar aggregate classification (germline): Likely benign (0 of 4 stars; one submission).

Conditions:
ANKRD11-related disorder. Also called: ANKRD11-related condition.

Allele frequency attached by ClinVar (database versions not stated): TOPMed 0.00001.
gnomAD v4.1: 15 of 1,613,920 alleles (0.00093%); highest among the groups gnomAD compares: Admixed American, 0.0017%; no homozygotes.

Submission:

PreventionGenetics, part of Exact Sciences
Classification: Likely benign for ANKRD11-related condition. Last evaluated: 2021-03-16. Review status: no assertion criteria provided. Collection method: clinical testing. Allele origin: germline.
Comment: This variant is classified as likely benign based on ACMG/AMP sequence variant interpretation guidelines (Richards et al. 2015 PMID: 25741868, with internal and published modifications).

NM_013275.6(ANKRD11):c.4668G>A (p.Ala1556=)

Gene: ANKRD11 (ankyrin repeat domain containing 11; minus strand). Cytogenetic location: 16q24.3.
Variant type: single nucleotide variant.
Coding change: c.4668G>A on transcript NM_013275.6 (MANE Select); coding-DNA position 4668, G replaced by A.
Protein change: p.Ala1556=; no amino-acid change (alanine 1556 retained).
Molecular consequence: synonymous variant.
Genome position (GRCh38, 1-based): chr16:89,281,874, C>T on the plus strand (G>A on the coding strand, the complement: ANKRD11 is on the minus strand). VCF-style: chr16-89281874-C-T. GRCh37 (hg19) VCF-style: chr16-89348282-C-T.
Other names: c.4668G>A, p.Ala1556= (NM_001256182.2, NM_001256183.2).
Identifiers: ClinVar variation 3030633 (VCV003030633.2), dbSNP rs1287759630, ClinGen allele CA497373767.
Genomic context (GRCh38, chr16:89,281,874, plus strand): 5'-GCCGTCCCCCAGGAGCTTCTCCCTGGGCCTGGCGTCTTTCTTGCCTGGGTCTTTGGATGG[C>T]GCTACCTTATCATTCCCGTTGCTCATCTTCACTGGGTCGCCCTTTTCTTTCTCTGCACCG-3'
Protein context (NP_037407.4, residues 1546-1566): VKMSNGNDKV[Ala1556=]PSKDPGKKDA